The following is an entry in ClinVar:

NM_014244.5(ADAMTS2):c.689G>T (p.Gly230Val)

Gene: ADAMTS2 (ADAM metallopeptidase with thrombospondin type 1 motif 2; minus strand). Cytogenetic location: 5q35.3.
Variant type: single nucleotide variant.
Coding change: c.689G>T on transcript NM_014244.5 (MANE Select); coding-DNA position 689, G replaced by T.
Protein change: p.Gly230Val; replaces glycine 230 with valine.
Molecular consequence: missense variant.
Genome position (GRCh38, 1-based): chr5:179,207,715, C>A on the plus strand (G>T on the coding strand, the complement: ADAMTS2 is on the minus strand). VCF-style: chr5-179207715-C-A. GRCh37 (hg19) VCF-style: chr5-178634716-C-A.
Other names: NC_000005.9:g.178634716C>A; c.689G>T, p.Gly230Val (NM_021599.4); c.689G>T (NM_014244.4); short protein forms G230V.
Identifiers: ClinVar variation 3592185 (VCV003592185.4).

ClinVar aggregate classification (germline): Uncertain significance. Review status: criteria provided, multiple submitters, no conflicts (2 of 4 stars). 3 submissions from 3 submitters: Uncertain significance (3). Last evaluated 2025-12-26.

Conditions:
Inborn genetic diseases. Identifiers: MedGen C0950123, MeSH D030342.
Ehlers-Danlos syndrome, dermatosparaxis type. Also called: Dermatosparaxis; Ehlers-Danlos syndrome, type VII, autosomal recessive; EDS VIIC. Identifiers: Orphanet 1901, MedGen C2700425, MONDO:0009161, OMIM 225410.
ADAMTS2-related disorder. Also called: ADAMTS2-related condition.

gnomAD v4.1: 7 of 1,610,364 alleles (0.00043%); highest among the groups gnomAD compares: African/African-American, 0.0093%; no homozygotes.

Submissions (5):

PreventionGenetics, part of Exact Sciences
Classification: Uncertain significance for ADAMTS2-related condition. Last evaluated: 2025-12-26. Review status: criteria provided, single submitter. Criteria: ACMG Guidelines, 2015. Collection method: clinical testing. Allele origin: germline.
Comment: The ADAMTS2 c.689G>T variant is predicted to result in the amino acid substitution p.Gly230Val. To our knowledge, this variant has not been reported in the literature. This variant is reported in 0.019% of alleles in individuals of African descent in gnomAD. At this time, the clinical significance of this variant is uncertain due to the absence of conclusive functional and genetic evidence.

Ambry Genetics
Classification: Uncertain significance for Inborn genetic diseases. Last evaluated: 2025-07-12. Review status: criteria provided, single submitter. Criteria: Ambry Variant Classification Scheme 2023. Collection method: clinical testing. Allele origin: germline.

Fulgent Genetics
Classification: Uncertain significance for Ehlers-Danlos syndrome, dermatosparaxis type. Last evaluated: 2024-03-06. Review status: criteria provided, single submitter. Criteria: ACMG Guidelines, 2015. Collection method: clinical testing. Allele origin: germline.

Dr. Peter K. Rogan Lab, Western University
No classification provided (evidence only). Condition: Melanoma. Review status: no classification provided. Collection method: in vitro. Allele origin: not applicable. Functional consequence: retained intron. Not counted in ClinVar's aggregate classification.

Dr. Peter K. Rogan Lab, Western University
No classification provided (evidence only). Condition: Thyroid cancer, nonmedullary, 1. Review status: no classification provided. Collection method: in vitro. Allele origin: not applicable. Functional consequence: retained intron. Not counted in ClinVar's aggregate classification.